The following is an entry in ClinVar:

ClinVar aggregate classification (germline): Pathogenic (1 of 4 stars; one submission).

Conditions:
Primary ciliary dyskinesia. Also called: Ciliary dyskinesia. Identifiers: Orphanet 244, MedGen C0008780, MONDO:0016575, HP:0012265.

Submission:

Labcorp Genetics (formerly Invitae), Labcorp
Classification: Pathogenic for Primary ciliary dyskinesia. Last evaluated: 2023-07-17. Review status: criteria provided, single submitter. Criteria: Invitae Variant Classification Sherloc (09022015). Collection method: clinical testing. Allele origin: germline.
Comment: For these reasons, this variant has been classified as Pathogenic. ClinVar contains an entry for this variant (Variation ID: 1955231). This variant has not been reported in the literature in individuals affected with DNAH5-related conditions. This variant is not present in population databases (gnomAD no frequency). This sequence change creates a premature translational stop signal (p.Tyr2532*) in the DNAH5 gene. It is expected to result in an absent or disrupted protein product. Loss-of-function variants in DNAH5 are known to be pathogenic (PMID: 11788826, 16627867).

Literature cited by the submitters: PubMed 11788826; PubMed 16627867.

NM_001369.3(DNAH5):c.7596T>A (p.Tyr2532Ter)

Gene: DNAH5 (dynein axonemal heavy chain 5; minus strand). Cytogenetic location: 5p15.2.
Variant type: single nucleotide variant.
Coding change: c.7596T>A on transcript NM_001369.3 (MANE Select); coding-DNA position 7596, T replaced by A.
Protein change: p.Tyr2532Ter; replaces tyrosine 2532 with a stop codon.
Molecular consequence: nonsense.
Genome position (GRCh38, 1-based): chr5:13,810,072, A>T on the plus strand (T>A on the coding strand, the complement: DNAH5 is on the minus strand). VCF-style: chr5-13810072-A-T. GRCh37 (hg19) VCF-style: chr5-13810181-A-T.
Other names: short protein forms Y2532*.
Identifiers: ClinVar variation 1955231 (VCV001955231.5), dbSNP rs920106420, ClinGen allele CA359231351.